The following is an entry in ClinVar:

NM_000528.4(MAN2B1):c.631-213C>T

Gene: MAN2B1 (mannosidase alpha class 2B member 1; minus strand). Cytogenetic location: 19p13.13.
Variant type: single nucleotide variant.
Coding change: c.631-213C>T on transcript NM_000528.4 (MANE Select); 213 bases into the intron before coding-DNA position 631, C replaced by T.
Molecular consequence: intron variant.
Genome position (GRCh38, 1-based): chr19:12,664,048, G>A on the plus strand (C>T on the coding strand, the complement: MAN2B1 is on the minus strand). VCF-style: chr19-12664048-G-A. GRCh37 (hg19) VCF-style: chr19-12774862-G-A.
Other names: c.631-213C>T (NM_001173498.2).
Identifiers: ClinVar variation 684371 (VCV000684371.1), dbSNP rs8104821, ClinGen allele CA14635923.

ClinVar aggregate classification (germline): Benign (1 of 4 stars; one submission).

Allele frequency attached by ClinVar (database versions not stated): 1000 Genomes Project 0.21546; 1000 Genomes Project 30x 0.21674; TOPMed 0.27591; gnomAD 0.28035 and 0.28087.
gnomAD v4.1: 42,608 of 151,990 alleles (28%); highest among the groups gnomAD compares: Middle Eastern, 43%; 6,867 homozygotes.

Submission:

GeneDx
Classification: Benign. Last evaluated: 2018-06-19. Review status: criteria provided, single submitter. Criteria: GeneDx Variant Classification (06012015). Collection method: clinical testing. Allele origin: germline. Affected: yes.
Comment: This variant is considered likely benign or benign based on one or more of the following criteria: it is a conservative change, it occurs at a poorly conserved position in the protein, it is predicted to be benign by multiple in silico algorithms, and/or has population frequency not consistent with disease.